The following is an entry in ClinVar:

NM_177438.3(DICER1):c.1075T>C (p.Cys359Arg)

Gene: DICER1 (dicer 1, ribonuclease III; minus strand). Cytogenetic location: 14q32.13.
Variant type: single nucleotide variant.
Coding change: c.1075T>C on transcript NM_177438.3 (MANE Select); coding-DNA position 1075, T replaced by C.
Protein change: p.Cys359Arg; replaces cysteine 359 with arginine.
Molecular consequence: missense variant. On other transcripts: 5 prime UTR variant (1), non-coding transcript variant (6).
Genome position (GRCh38, 1-based): chr14:95,124,497, A>G on the plus strand (T>C on the coding strand, the complement: DICER1 is on the minus strand). VCF-style: chr14-95124497-A-G. GRCh37 (hg19) VCF-style: chr14-95590834-A-G.
Other names: c.1075T>C, p.Cys359Arg (NM_001195573.1, NM_001271282.3, NM_001291628.2 and 15 more transcripts); c.793T>C, p.Cys265Arg (NM_001395686.1); c.670T>C, p.Cys224Arg (NM_001395687.1, NM_001395688.1, NM_001395689.1 and 3 more transcripts); c.508T>C, p.Cys170Arg (NM_001395691.1); c.-494T>C (NM_001395697.1); short protein forms C224R, C359R, C265R, C170R.
Identifiers: ClinVar variation 1784766 (VCV001784766.2), dbSNP rs2543182044, ClinGen allele CA390887017.

ClinVar aggregate classification (germline): Uncertain significance (1 of 4 stars; one submission).

Conditions:
Hereditary cancer-predisposing syndrome. Also called: Neoplastic Syndromes, Hereditary; Tumor predisposition; Hereditary Cancer Syndrome; Hereditary neoplastic syndrome. Identifiers: Orphanet 140162, MedGen C0027672, MeSH D009386, MONDO:0015356.

Submission:

Ambry Genetics
Classification: Uncertain significance for Hereditary cancer-predisposing syndrome. Last evaluated: 2022-05-09. Review status: criteria provided, single submitter. Criteria: Ambry Variant Classification Scheme 2023. Collection method: clinical testing. Allele origin: germline.
Comment: The p.C359R variant (also known as c.1075T>C), located in coding exon 7 of the DICER1 gene, results from a T to C substitution at nucleotide position 1075. The cysteine at codon 359 is replaced by arginine, an amino acid with highly dissimilar properties. This amino acid position is highly conserved in available vertebrate species. In addition, the in silico prediction for this alteration is inconclusive. Since supporting evidence is limited at this time, the clinical significance of this alteration remains unclear.